The following is an entry in ClinVar:

ClinVar aggregate classification (germline): Conflicting classifications of pathogenicity. Review status: criteria provided, conflicting classifications (1 of 4 stars). 3 submissions from 3 submitters: Uncertain significance (2); Likely benign (1). Last evaluated 2025-12-17.

Conditions:
Intellectual developmental disorder, autosomal dominant 22. Also called: Intellectual disability, autosomal dominant 22. Identifiers: MedGen CN029689, MONDO:0012869, OMIM 612337.

gnomAD v4.1: 3 of 1,614,062 alleles (0.00019%); highest among the groups gnomAD compares: Non-Finnish European, 0.000085%; no homozygotes.

Submissions (3):

Labcorp Genetics (formerly Invitae), Labcorp
Classification: Uncertain significance. Last evaluated: 2025-12-17. Review status: criteria provided, single submitter. Criteria: Invitae Variant Classification Sherloc (09022015). Collection method: clinical testing. Allele origin: germline.
Comment: This sequence change replaces glutamic acid, which is acidic and polar, with lysine, which is basic and polar, at codon 352 of the ZBTB18 protein (p.Glu352Lys). This variant is not present in population databases (gnomAD no frequency). This variant has not been reported in the literature in individuals affected with ZBTB18-related conditions. ClinVar contains an entry for this variant (Variation ID: 1027957). Invitae Evidence Modeling of protein sequence and biophysical properties (such as structural, functional, and spatial information, amino acid conservation, physicochemical variation, residue mobility, and thermodynamic stability) indicates that this missense variant is not expected to disrupt ZBTB18 protein function with a negative predictive value of 95%. In summary, the available evidence is currently insufficient to determine the role of this variant in disease. Therefore, it has been classified as a Variant of Uncertain Significance.

GeneDx
Classification: Likely benign. Last evaluated: 2020-06-03. Review status: criteria provided, single submitter. Criteria: GeneDx Variant Classification Process June 2021. Collection method: clinical testing. Allele origin: germline. Affected: yes.
Comment: In silico analysis supports that this missense variant does not alter protein structure/function; Not observed in large population cohorts (Lek et al., 2016); Has not been previously published as pathogenic or benign to our knowledge

Baylor Genetics
Classification: Uncertain significance for Intellectual developmental disorder, autosomal dominant 22. Last evaluated: 2020-03-29. Review status: criteria provided, single submitter. Criteria: ACMG Guidelines, 2015. Collection method: clinical testing. Allele origin: unknown. Affected: yes.
Comment: This variant was determined to be of uncertain significance according to ACMG Guidelines, 2015 [PMID:25741868].

NM_205768.3(ZBTB18):c.1054G>A (p.Glu352Lys)

Gene: ZBTB18 (zinc finger and BTB domain containing 18; plus strand). Cytogenetic location: 1q44.
Variant type: single nucleotide variant.
Coding change: c.1054G>A on transcript NM_205768.3 (MANE Select); coding-DNA position 1054, G replaced by A.
Protein change: p.Glu352Lys; replaces glutamic acid 352 with lysine.
Molecular consequence: missense variant.
Genome position (GRCh38, 1-based): chr1:244,054,828, G>A. VCF-style: chr1-244054828-G-A. GRCh37 (hg19) VCF-style: chr1-244218130-G-A.
Other names: c.1027G>A, p.Glu343Lys (NM_001278196.2, NM_006352.5); short protein forms E352K, E343K.
Identifiers: ClinVar variation 1027957 (VCV001027957.7), dbSNP rs1698424563, ClinGen allele CA345674274.